The following is an entry in ClinVar:

NM_001303052.2(MYT1L):c.1422C>T (p.Pro474=)

Gene: MYT1L (myelin transcription factor 1 like; minus strand). Cytogenetic location: 2p25.3.
Variant type: single nucleotide variant.
Coding change: c.1422C>T on transcript NM_001303052.2 (MANE Select); coding-DNA position 1422, C replaced by T.
Protein change: p.Pro474=; no amino-acid change (proline 474 retained).
Molecular consequence: synonymous variant.
Genome position (GRCh38, 1-based): chr2:1,922,347, G>A on the plus strand (C>T on the coding strand, the complement: MYT1L is on the minus strand). VCF-style: chr2-1922347-G-A. GRCh37 (hg19) VCF-style: chr2-1926119-G-A.
Other names: c.1422C>T, p.Pro474= (NM_001329844.2, NM_001329845.1, NM_001329846.3 and 6 more transcripts).
Identifiers: ClinVar variation 722923 (VCV000722923.29), dbSNP rs199944271, ClinGen allele CA1514249.

ClinVar aggregate classification (germline): Benign/Likely benign. Review status: criteria provided, multiple submitters, no conflicts (2 of 4 stars). 3 submissions from 3 submitters: Benign (2); Likely benign (1). Last evaluated 2026-02-01.

Allele frequency attached by ClinVar (database versions not stated): ESP Exome Variant Server 0.00033; gnomAD 0.00034; ExAC 0.00036; gnomAD exomes 0.00038; TOPMed 0.00041.
gnomAD v4.1: 365 of 1,613,742 alleles (0.023%); highest among the groups gnomAD compares: South Asian, 0.12%; 1 homozygote.

Submissions (3):

CeGaT Center for Human Genetics Tuebingen
Classification: Likely benign. Last evaluated: 2026-02-01. Review status: criteria provided, single submitter. Criteria: CeGaT Center For Human Genetics Tuebingen Variant Classification Criteria Version 2. Collection method: clinical testing. Allele origin: germline. Affected: yes. Observed: 2 variant alleles.
Comment: MYT1L: BP4, BP7

GeneDx
Classification: Benign. Last evaluated: 2021-01-07. Review status: criteria provided, single submitter. Criteria: GeneDx Variant Classification Process June 2021. Collection method: clinical testing. Allele origin: germline. Affected: yes.

Labcorp Genetics (formerly Invitae), Labcorp
Classification: Benign. Last evaluated: 2018-07-06. Review status: criteria provided, single submitter. Criteria: Invitae Variant Classification Sherloc (09022015). Collection method: clinical testing. Allele origin: germline.